The following is an entry in ClinVar:

ClinVar aggregate classification (germline): Uncertain significance. Review status: criteria provided, multiple submitters, no conflicts (2 of 4 stars). 2 submissions from 2 submitters: Uncertain significance (2). Last evaluated 2025-01-07.

Conditions:
Hereditary cancer-predisposing syndrome. Also called: Hereditary Cancer Syndrome; Hereditary neoplastic syndrome; Neoplastic Syndromes, Hereditary; Tumor predisposition. Identifiers: Orphanet 140162, MedGen C0027672, MeSH D009386, MONDO:0015356.

Submissions (2):

Ambry Genetics
Classification: Uncertain significance for Hereditary cancer-predisposing syndrome. Last evaluated: 2025-01-07. Review status: criteria provided, single submitter. Criteria: Ambry Variant Classification Scheme 2023. Collection method: clinical testing. Allele origin: germline.
Comment: The p.M207L variant (also known as c.619A>T), located in coding exon 5 of the CTNNA1 gene, results from an A to T substitution at nucleotide position 619. The methionine at codon 207 is replaced by leucine, an amino acid with highly similar properties. This amino acid position is conserved. In addition, the in silico prediction for this alteration is inconclusive. The evidence for this gene-disease relationship is limited; therefore, the clinical significance of this alteration is unclear.

Labcorp Genetics (formerly Invitae), Labcorp
Classification: Uncertain significance. Last evaluated: 2024-03-04. Review status: criteria provided, single submitter. Criteria: Invitae Variant Classification Sherloc (09022015). Collection method: clinical testing. Allele origin: germline.
Comment: This sequence change replaces methionine, which is neutral and non-polar, with leucine, which is neutral and non-polar, at codon 207 of the CTNNA1 protein (p.Met207Leu). This variant is not present in population databases (gnomAD no frequency). This variant has not been reported in the literature in individuals affected with CTNNA1-related conditions. ClinVar contains an entry for this variant (Variation ID: 1752143). Advanced modeling of protein sequence and biophysical properties (such as structural, functional, and spatial information, amino acid conservation, physicochemical variation, residue mobility, and thermodynamic stability) performed at Invitae indicates that this missense variant is not expected to disrupt CTNNA1 protein function with a negative predictive value of 80%. In summary, the available evidence is currently insufficient to determine the role of this variant in disease. Therefore, it has been classified as a Variant of Uncertain Significance.

NM_001903.5(CTNNA1):c.619A>T (p.Met207Leu)

Gene: CTNNA1 (catenin alpha 1; plus strand). Cytogenetic location: 5q31.2.
Variant type: single nucleotide variant.
Coding change: c.619A>T on transcript NM_001903.5 (MANE Select); coding-DNA position 619, A replaced by T.
Protein change: p.Met207Leu; replaces methionine 207 with leucine.
Molecular consequence: missense variant.
Genome position (GRCh38, 1-based): chr5:138,824,560, A>T. VCF-style: chr5-138824560-A-T. GRCh37 (hg19) VCF-style: chr5-138160249-A-T.
Other names: c.619A>T, p.Met207Leu (NM_001290307.3, NM_001323982.2, NM_001323983.1 and 3 more transcripts); c.310A>T, p.Met104Leu (NM_001290309.3); c.250A>T, p.Met84Leu (NM_001290310.3); short protein forms M104L, M207L, M84L.
Identifiers: ClinVar variation 1752143 (VCV001752143.5), dbSNP rs2149775555, ClinGen allele CA361129475.